The following is an entry in ClinVar:

ClinVar aggregate classification (germline): Pathogenic/Likely pathogenic. Review status: criteria provided, multiple submitters, no conflicts (2 of 4 stars). 3 submissions from 3 submitters: Pathogenic (2); Likely pathogenic (1). Last evaluated 2026-04-21.

Conditions:
Polycystic kidney disease, adult type (PKD1). Also called: Polycystic Kidney, Autosomal Dominant; POLYCYSTIC KIDNEY DISEASE, ADULT, TYPE I; Polycystic Kidney Disease 1, Autosomal Dominant; Polycystic kidney disease 1; Polycystic kidney disease 1, severe; POLYCYSTIC KIDNEY DISEASE 1 WITH OR WITHOUT POLYCYSTIC LIVER DISEASE. Identifiers: MedGen C3149841, MONDO:0008263, OMIM 173900.

Submissions (3):

GeneDx
Classification: Pathogenic. Last evaluated: 2026-04-21. Review status: criteria provided, single submitter. Criteria: GeneDx Variant Classification Process June 2021. Collection method: clinical testing. Allele origin: germline.
Comment: Frameshift variant predicted to result in protein truncation or nonsense mediated decay in a gene for which loss of function is a known mechanism of disease; Not observed at significant frequency in large population cohorts (gnomAD); This variant is associated with the following publications: (PMID: 22508176)

3billion
Classification: Likely pathogenic for Polycystic kidney disease, adult type. Last evaluated: 2022-05-22. Review status: criteria provided, single submitter. Criteria: ACMG Guidelines, 2015. Collection method: clinical testing. Allele origin: germline. Affected: yes. Observed: 1 heterozygote.
Comment: The variant is not observed in the gnomAD v2.1.1 dataset. Frameshift: predicted to result in a loss or disruption of normal protein function through nonsense-mediated decay (NMD) or protein truncation. Multiple pathogenic variants are reported downstream of the variant. Therefore, this variant is classified as likely pathogenic according to the recommendation of ACMG/AMP guideline.

Athena Diagnostics
Classification: Pathogenic. Last evaluated: 2021-12-07. Review status: criteria provided, single submitter. Criteria: Athena Diagnostics Criteria. Collection method: clinical testing. Allele origin: unknown.
Comment: This variant is expected to result in the loss of a functional protein. This variant has not been reported in large, multi-ethnic general populations. This variant has been identified in at least one individual tested at Athena Diagnostics with clinical features associated with this gene.

NM_001009944.3(PKD1):c.11633_11660dup (p.Phe3888fs)

Genes: PKD1 (polycystin 1, transient receptor potential channel interacting; minus strand), PKD1-AS1 (PKD1 antisense RNA 1; plus strand). Cytogenetic location: 16p13.3.
Variant type: Duplication.
Coding change: c.11633_11660dup on transcript NM_001009944.3 (MANE Select); coding-DNA positions 11633 to 11660, 28 bases duplicated (GCGCCCTGGCCGCCCTCAGCGTCCGCCC).
Protein change: p.Phe3888fs; shifts the reading frame from phenylalanine 3888.
Molecular consequence: frameshift variant. On other transcripts: non-coding transcript variant (1).
Genome position (GRCh38, 1-based): chr16:2,091,475-2,091,502, GGGCGGACGCTGAGGGCGGCCAGGGCGC duplicated on the plus strand (GCGCCCTGGCCGCCCTCAGCGTCCGCCC on the coding strand, the reverse complement: PKD1 is on the minus strand); duplicating any 28 consecutive bases within chr16:2,091,475-2,091,504 gives the same sequence; the c. name uses the placement nearest the transcript's 3' end. VCF-style (leftmost placement, unchanged base first): chr16-2091474-G-GGGGCGGACGCTGAGGGCGGCCAGGGCGC. GRCh37 (hg19) VCF-style: chr16-2141475-G-GGGGCGGACGCTGAGGGCGGCCAGGGCGC.
Other names: c.11630_11657dup, p.Phe3887fs (NM_000296.4); c.11630_11657dup (NM_000296.3); c.11633_11660dup (NM_001009944.2); short protein forms F3887fs, F3888fs.
Identifiers: ClinVar variation 1687355 (VCV001687355.4), dbSNP rs2151695288, ClinGen allele CA2573151949.